The following is an entry in ClinVar:

ClinVar aggregate classification (germline): Uncertain significance. Review status: criteria provided, multiple submitters, no conflicts (2 of 4 stars). 2 submissions from 2 submitters: Uncertain significance (2). Last evaluated 2025-03-10.

Conditions:
Hereditary cancer-predisposing syndrome. Also called: Neoplastic Syndromes, Hereditary; Hereditary neoplastic syndrome; Hereditary Cancer Syndrome; Tumor predisposition. Identifiers: Orphanet 140162, MedGen C0027672, MeSH D009386, MONDO:0015356.
Multiple endocrine neoplasia type 4. Also called: MULTIPLE ENDOCRINE NEOPLASIA, TYPE IV. Identifiers: Orphanet 276152, MedGen C1970712, MONDO:0012552, OMIM 610755.

Allele frequency attached by ClinVar (database versions not stated): gnomAD exomes below 0.00001; gnomAD 0.00001.

Submissions (2):

Ambry Genetics
Classification: Uncertain significance for Hereditary cancer-predisposing syndrome. Last evaluated: 2025-03-10. Review status: criteria provided, single submitter. Criteria: Ambry Variant Classification Scheme 2023. Collection method: clinical testing. Allele origin: germline.
Comment: The p.R58L variant (also known as c.173G>T), located in coding exon 1 of the CDKN1B gene, results from a G to T substitution at nucleotide position 173. The arginine at codon 58 is replaced by leucine, an amino acid with dissimilar properties. This amino acid position is not well conserved in available vertebrate species. In addition, the in silico prediction for this alteration is inconclusive. Based on the available evidence, the clinical significance of this variant remains unclear.

Labcorp Genetics (formerly Invitae), Labcorp
Classification: Uncertain significance for Multiple endocrine neoplasia type 4. Last evaluated: 2025-02-18. Review status: criteria provided, single submitter. Criteria: Invitae Variant Classification Sherloc (09022015). Collection method: clinical testing. Allele origin: germline.
Comment: This sequence change replaces arginine, which is basic and polar, with leucine, which is neutral and non-polar, at codon 58 of the CDKN1B protein (p.Arg58Leu). This variant is not present in population databases (gnomAD no frequency). This variant has not been reported in the literature in individuals affected with CDKN1B-related conditions. ClinVar contains an entry for this variant (Variation ID: 2162151). An algorithm developed to predict the effect of missense changes on protein structure and function outputs the following: PolyPhen-2: "Benign". The leucine amino acid residue is found in multiple mammalian species, which suggests that this missense change does not adversely affect protein function. In summary, the available evidence is currently insufficient to determine the role of this variant in disease. Therefore, it has been classified as a Variant of Uncertain Significance.

NM_004064.5(CDKN1B):c.173G>T (p.Arg58Leu)

Gene: CDKN1B (cyclin dependent kinase inhibitor 1B; plus strand). Cytogenetic location: 12p13.1.
Variant type: single nucleotide variant.
Coding change: c.173G>T on transcript NM_004064.5 (MANE Select); coding-DNA position 173, G replaced by T.
Protein change: p.Arg58Leu; replaces arginine 58 with leucine.
Molecular consequence: missense variant.
Genome position (GRCh38, 1-based): chr12:12,718,012, G>T. VCF-style: chr12-12718012-G-T. GRCh37 (hg19) VCF-style: chr12-12870946-G-T.
Other names: c.173G>T (NM_004064.3); short protein forms R58L.
Identifiers: ClinVar variation 2162151 (VCV002162151.5), dbSNP rs1187039160, ClinGen allele CA383969205.